The following is an entry in ClinVar:

NM_139321.3(ATRN):c.177A>C (p.Pro59=)

Genes: ATRN (attractin; plus strand), LOC130065331 (ATAC-STARR-seq lymphoblastoid silent region 12621; plus strand). Cytogenetic location: 20p13.
Variant type: single nucleotide variant.
Coding change: c.177A>C on transcript NM_139321.3 (MANE Select); coding-DNA position 177, A replaced by C.
Protein change: p.Pro59=; no amino-acid change (proline 59 retained).
Molecular consequence: synonymous variant. On other transcripts: intron variant (1).
Genome position (GRCh38, 1-based): chr20:3,471,284, A>C. VCF-style: chr20-3471284-A-C. GRCh37 (hg19) VCF-style: chr20-3451931-A-C.
Other names: c.177A>C, p.Pro59= (NM_001323332.2, NM_139322.4); c.62+150A>C (NM_001207047.3).
Identifiers: ClinVar variation 3047881 (VCV003047881.2), dbSNP rs987494226, ClinGen allele CA310638003.

ClinVar aggregate classification (germline): Likely benign (0 of 4 stars; one submission).

Conditions:
ATRN-related disorder. Also called: ATRN-related condition.

Allele frequency attached by ClinVar (database versions not stated): gnomAD 0.00001; TOPMed 0.00003; gnomAD exomes 0.00006.
gnomAD v4.1: 79 of 1,467,458 alleles (0.0054%); highest among the groups gnomAD compares: Non-Finnish European, 0.0066%; no homozygotes.

Submission:

PreventionGenetics, part of Exact Sciences
Classification: Likely benign for ATRN-related condition. Last evaluated: 2019-02-21. Review status: no assertion criteria provided. Collection method: clinical testing. Allele origin: germline.
Comment: This variant is classified as likely benign based on ACMG/AMP sequence variant interpretation guidelines (Richards et al. 2015 PMID: 25741868, with internal and published modifications).